The following is an entry in ClinVar:

NM_198428.3(BBS9):c.2179C>T (p.Leu727=)

Gene: BBS9 (Bardet-Biedl syndrome 9; plus strand). Cytogenetic location: 7p14.3.
Variant type: single nucleotide variant.
Coding change: c.2179C>T on transcript NM_198428.3 (MANE Select); coding-DNA position 2179, C replaced by T.
Protein change: p.Leu727=; no amino-acid change (leucine 727 retained).
Molecular consequence: synonymous variant. On other transcripts: non-coding transcript variant (3), intron variant (1).
Genome position (GRCh38, 1-based): chr7:33,505,526, C>T. VCF-style: chr7-33505526-C-T. GRCh37 (hg19) VCF-style: chr7-33545138-C-T.
Other names: c.2074C>T, p.Leu692= (NM_001033604.2); c.2164C>T, p.Leu722= (NM_001033605.2); c.2179C>T, p.Leu727= (NM_001348036.1, NM_001348041.4, NM_001348043.3 and 1 more transcripts); c.1906C>T, p.Leu636= (NM_001348038.3); c.1801C>T, p.Leu601= (NM_001348039.3); c.2059C>T, p.Leu687= (NM_001348040.3, NM_014451.4); c.2044C>T, p.Leu682= (NM_001348042.3); c.1708C>T, p.Leu570= (NM_001348044.3); and 3 more.
Identifiers: ClinVar variation 1003433 (VCV001003433.10), dbSNP rs373177157, ClinGen allele CA156745235.

ClinVar aggregate classification (germline): Likely benign. Review status: criteria provided, single submitter (1 of 4 stars). 2 submissions from 2 submitters: Likely benign (1). 1 of the submissions does not count toward it. Last evaluated 2023-04-22.

Conditions:
Bardet-Biedl syndrome (BBS). Identifiers: Orphanet 110, MedGen C0752166, MONDO:0015229.
BBS9-related disorder. Also called: BBS9-related condition.

Allele frequency attached by ClinVar (database versions not stated): gnomAD exomes below 0.00001.
gnomAD v4.1: 4 of 1,614,148 alleles (0.00025%); highest among the groups gnomAD compares: African/African-American, 0.0053%; no homozygotes.

Submissions (2):

Labcorp Genetics (formerly Invitae), Labcorp
Classification: Likely benign for Bardet-Biedl syndrome. Last evaluated: 2023-04-22. Review status: criteria provided, single submitter. Criteria: Invitae Variant Classification Sherloc (09022015). Collection method: clinical testing. Allele origin: germline.

PreventionGenetics, part of Exact Sciences
Classification: Likely benign for BBS9-related condition. Last evaluated: 2022-08-24. Review status: no assertion criteria provided. Collection method: clinical testing. Allele origin: germline. Not counted in ClinVar's aggregate classification.
Comment: This variant is classified as likely benign based on ACMG/AMP sequence variant interpretation guidelines (Richards et al. 2015 PMID: 25741868, with internal and published modifications).